The following is an entry in ClinVar:

NM_001367607.2(ANKRD30B):c.1842T>C (p.Asp614=)

Gene: ANKRD30B (ankyrin repeat domain 30B; plus strand). Cytogenetic location: 18p11.21.
Variant type: single nucleotide variant.
Coding change: c.1842T>C on transcript NM_001367607.2 (MANE Select); coding-DNA position 1842, T replaced by C.
Protein change: p.Asp614=; no amino-acid change (aspartic acid 614 retained).
Molecular consequence: synonymous variant.
Genome position (GRCh38, 1-based): chr18:14,796,237, T>C. VCF-style: chr18-14796237-T-C. GRCh37 (hg19) VCF-style: chr18-14796236-T-C.
Identifiers: ClinVar variation 3387996 (VCV003387996.14).

ClinVar aggregate classification (germline): Likely benign (1 of 4 stars; one submission).

gnomAD v4.1: 3,188 of 1,602,190 alleles (0.2%); highest among the groups gnomAD compares: Middle Eastern, 0.56%; 8 homozygotes.

Submission:

CeGaT Center for Human Genetics Tuebingen
Classification: Likely benign. Last evaluated: 2024-10-01. Review status: criteria provided, single submitter. Criteria: CeGaT Center For Human Genetics Tuebingen Variant Classification Criteria Version 2. Collection method: clinical testing. Allele origin: germline. Affected: yes. Observed: 1 variant allele.
Comment: ANKRD30B: BP4, BP7